The following is an entry in ClinVar:

NM_001370298.3(FGD4):c.1077C>T (p.Val359=)

Gene: FGD4 (FYVE, RhoGEF and PH domain containing 4; plus strand). Cytogenetic location: 12p11.21.
Variant type: single nucleotide variant.
Coding change: c.1077C>T on transcript NM_001370298.3 (MANE Select); coding-DNA position 1077, C replaced by T.
Protein change: p.Val359=; no amino-acid change (valine 359 retained).
Molecular consequence: synonymous variant. On other transcripts: 5 prime UTR variant (2).
Genome position (GRCh38, 1-based): chr12:32,598,562, C>T. VCF-style: chr12-32598562-C-T. GRCh37 (hg19) VCF-style: chr12-32751496-C-T.
Other names: c.666C>T (NM_139241.2); c.921C>T, p.Val307= (NM_001304481.2); c.-179C>T (NM_001304483.2); c.-486C>T (NM_001304484.2); c.387C>T, p.Val129= (NM_001330373.2, NM_001330374.2, NM_001384130.1); c.114C>T, p.Val38= (NM_001370297.1); c.1077C>T, p.Val359= (NM_001384126.1); c.666C>T, p.Val222= (NM_001384127.1, NM_001384128.1, NM_001385118.1 and 1 more transcripts).
Identifiers: ClinVar variation 2202068 (VCV002202068.5), dbSNP rs372065641, ClinGen allele CA6506687.

ClinVar aggregate classification (germline): Likely benign. Review status: criteria provided, multiple submitters, no conflicts (2 of 4 stars). 2 submissions from 2 submitters: Likely benign (2). Last evaluated 2025-07-07.

Conditions:
Charcot-Marie-Tooth disease type 4. Also called: Charcot-Marie-Tooth disease, type IV; Charcot-Marie-Tooth, Type 4. Identifiers: Orphanet 64749, MedGen C4082197, MONDO:0018995.

Allele frequency attached by ClinVar (database versions not stated): gnomAD exomes below 0.00001; ExAC 0.00001; gnomAD 0.00001; ESP Exome Variant Server 0.00008.
gnomAD v4.1: 5 of 1,613,612 alleles (0.00031%); highest among the groups gnomAD compares: Non-Finnish European, 0.00042%; no homozygotes.

Submissions (2):

Athena Diagnostics
Classification: Likely benign. Last evaluated: 2025-07-07. Review status: criteria provided, single submitter. Criteria: Athena Diagnostics Criteria. Collection method: clinical testing. Allele origin: unknown.
Comment: Computational tools yielded predictions that this variant is unlikely to have an effect on normal RNA splicing. This nucleotide position exhibits low evolutionary conservation.

Labcorp Genetics (formerly Invitae), Labcorp
Classification: Likely benign for Charcot-Marie-Tooth disease type 4. Last evaluated: 2022-01-28. Review status: criteria provided, single submitter. Criteria: Invitae Variant Classification Sherloc (09022015). Collection method: clinical testing. Allele origin: germline.